The following is an entry in ClinVar:

NM_000255.4(MMUT):c.711A>G (p.Pro237=)

Gene: MMUT (methylmalonyl-CoA mutase; minus strand). Cytogenetic location: 6p12.3.
Variant type: single nucleotide variant.
Coding change: c.711A>G on transcript NM_000255.4 (MANE Select); coding-DNA position 711, A replaced by G.
Protein change: p.Pro237=; no amino-acid change (proline 237 retained).
Molecular consequence: synonymous variant.
Genome position (GRCh38, 1-based): chr6:49,457,733, T>C on the plus strand (A>G on the coding strand, the complement: MMUT is on the minus strand). VCF-style: chr6-49457733-T-C. GRCh37 (hg19) VCF-style: chr6-49425446-T-C.
Other names: p.P237P:CCA>CCG; p.Pro237=.
Identifiers: ClinVar variation 203843 (VCV000203843.22), dbSNP rs138085432, ClinGen allele CA312760.

ClinVar aggregate classification (germline): Benign. Review status: criteria provided, multiple submitters, no conflicts (2 of 4 stars). 9 submissions from 9 submitters: Benign (8). 1 of the submissions does not count toward it. Last evaluated 2026-02-04.

Conditions:
Methylmalonic aciduria due to complete methylmalonyl-CoA mutase deficiency.
Methylmalonic aciduria due to methylmalonyl-CoA mutase deficiency (MAMM). Also called: Methylmalonic aciduria, mut type. Identifiers: Orphanet 27, MedGen C1855114, MONDO:0009612, OMIM 251000.

Allele frequency attached by ClinVar (database versions not stated): TOPMed 0.00927; gnomAD 0.00930 and 0.00998; 1000 Genomes Project 30x 0.01015; 1000 Genomes Project 0.01058; ESP Exome Variant Server 0.01062; gnomAD exomes 0.01242 and 0.01460; ExAC 0.01292.
gnomAD v4.1: 22,804 of 1,612,272 alleles (1.4%); highest among the groups gnomAD compares: South Asian, 3.2%; 241 homozygotes.

Submissions (9):

Labcorp Genetics (formerly Invitae), Labcorp
Classification: Benign. Last evaluated: 2026-02-04. Review status: criteria provided, single submitter. Criteria: Invitae Variant Classification Sherloc (09022015). Collection method: clinical testing. Allele origin: germline.

Mayo Clinic Laboratories, Mayo Clinic
Classification: Benign. Last evaluated: 2022-01-04. Review status: criteria provided, single submitter. Criteria: ACMG Guidelines, 2015. Collection method: clinical testing. Allele origin: germline. Observed: 5 variant alleles.
Comment: BA1, BP4, BP7

Genome-Nilou Lab
Classification: Benign for Methylmalonic aciduria due to methylmalonyl-CoA mutase deficiency. Last evaluated: 2021-05-18. Review status: criteria provided, single submitter. Criteria: ACMG Guidelines, 2015. Collection method: clinical testing. Allele origin: germline. Affected: no.

Women's Health and Genetics/Laboratory Corporation of America, LabCorp
Classification: Benign. Last evaluated: 2020-01-26. Review status: criteria provided, single submitter. Criteria: LabCorp Variant Classification Summary - May 2015. Collection method: clinical testing. Allele origin: germline.

Illumina Laboratory Services, Illumina
Classification: Benign for Methylmalonic aciduria due to methylmalonyl-CoA mutase deficiency. Last evaluated: 2018-01-13. Review status: criteria provided, single submitter. Criteria: ICSL Variant Classification Criteria 13 December 2019. Collection method: clinical testing. Allele origin: germline.
Comment: This variant was observed in the ICSL laboratory as part of a predisposition screen in an ostensibly healthy population. It had not been previously curated by ICSL or reported in the Human Gene Mutation Database (HGMD: prior to June 1st, 2018), and was therefore a candidate for classification through an automated scoring system. Utilizing variant allele frequency, disease prevalence and penetrance estimates, and inheritance mode, an automated score was calculated to assess if this variant is too frequent to cause the disease. Based on the score and internal cut-off values, a variant classified as benign is not then subjected to further curation. The score for this variant resulted in a classification of benign for this disease.

Eurofins Ntd Llc (ga)
Classification: Benign. Last evaluated: 2017-01-31. Review status: criteria provided, single submitter. Criteria: EGL Classification Definitions 2015. Collection method: clinical testing. Allele origin: germline. Observed: 1 variant allele, 1 homozygote.

GeneDx
Classification: Benign. Last evaluated: 2014-08-11. Review status: criteria provided, single submitter. Criteria: GeneDx Variant Classification (06012015). Collection method: clinical testing. Allele origin: germline. Affected: yes.
Comment: This variant is considered likely benign or benign based on one or more of the following criteria: it is a conservative change, it occurs at a poorly conserved position in the protein, it is predicted to be benign by multiple in silico algorithms, and/or has population frequency not consistent with disease.

PreventionGenetics, part of Exact Sciences
Classification: Benign. Review status: criteria provided, single submitter. Criteria: ACMG Guidelines, 2015. Collection method: clinical testing. Allele origin: germline.

Natera, Inc.
Classification: Benign for Methylmalonic aciduria due to complete methylmalonyl-CoA mutase deficiency. Last evaluated: 2020-09-16. Review status: no assertion criteria provided. Collection method: clinical testing. Allele origin: germline. Not counted in ClinVar's aggregate classification.